The following is an entry in ClinVar:

NM_001114753.3(ENG):c.816G>A (p.Trp272Ter)

Gene: ENG (endoglin; minus strand). Cytogenetic location: 9q34.11.
Variant type: single nucleotide variant.
Coding change: c.816G>A on transcript NM_001114753.3 (MANE Select); coding-DNA position 816, G replaced by A.
Protein change: p.Trp272Ter; replaces tryptophan 272 with a stop codon.
Molecular consequence: nonsense.
Genome position (GRCh38, 1-based): chr9:127,825,231, C>T on the plus strand (G>A on the coding strand, the complement: ENG is on the minus strand). VCF-style: chr9-127825231-C-T. GRCh37 (hg19) VCF-style: chr9-130587510-C-T.
Other names: c.816G>A, p.Trp272Ter (NM_000118.4, NM_001406715.1); c.270G>A, p.Trp90Ter (NM_001278138.2); short protein forms W272*, W90*.
Identifiers: ClinVar variation 280021 (VCV000280021.14), dbSNP rs886041326, ClinGen allele CA10603083.

ClinVar aggregate classification (germline): Pathogenic. Review status: criteria provided, multiple submitters, no conflicts (2 of 4 stars). 3 submissions from 3 submitters: Pathogenic (3). Last evaluated 2026-01-20.

Conditions:
Cardiovascular phenotype. Identifiers: MedGen CN230736.
Hereditary hemorrhagic telangiectasia (HHT). Also called: ORW DISEASE; Osler Weber Rendu syndrome; OSLER-RENDU-WEBER DISEASE; Osler hemorrhagic telangiectasia syndrome. Identifiers: Orphanet 774, MedGen C0039445, MONDO:0019180. Disease mechanism: loss of function.

Submissions (3):

GeneDx
Classification: Pathogenic. Last evaluated: 2026-01-20. Review status: criteria provided, single submitter. Criteria: GeneDx Variant Classification Process June 2021. Collection method: clinical testing. Allele origin: germline. Affected: yes.
Comment: Nonsense variant predicted to result in protein truncation or nonsense mediated decay in a gene for which loss of function is a known mechanism of disease; Reported in individuals with phenotype consistent with hereditary hemorrhagic telangiectasia (HHT) referred for genetic testing at GeneDx and in published literature (PMID: 21158752); Not observed in large population cohorts (gnomAD); This variant is associated with the following publications: (PMID: 21158752)

Labcorp Genetics (formerly Invitae), Labcorp
Classification: Pathogenic for Hereditary hemorrhagic telangiectasia. Last evaluated: 2024-11-04. Review status: criteria provided, single submitter. Criteria: Invitae Variant Classification Sherloc (09022015). Collection method: clinical testing. Allele origin: germline.
Comment: This sequence change creates a premature translational stop signal (p.Trp272*) in the ENG gene. It is expected to result in an absent or disrupted protein product. Loss-of-function variants in ENG are known to be pathogenic (PMID: 15879500). This variant is not present in population databases (gnomAD no frequency). This premature translational stop signal has been observed in individual(s) with hereditary hemorrhagic telangiectasia (PMID: 21158752). ClinVar contains an entry for this variant (Variation ID: 280021). For these reasons, this variant has been classified as Pathogenic.

Ambry Genetics
Classification: Pathogenic for Cardiovascular phenotype. Last evaluated: 2018-09-25. Review status: criteria provided, single submitter. Criteria: Ambry Variant Classification Scheme 2023. Collection method: clinical testing. Allele origin: germline.
Comment: The p.W272* pathogenic mutation (also known as c.816G>A), located in coding exon 6 of the ENG gene, results from a G to A substitution at nucleotide position 816. This changes the amino acid from a tryptophan to a stop codon within coding exon 6. This mutation was identified in an individual with epistaxis, telangiectasia, pulmonary arteriovenous malformations, and a family history of hereditary hemorrhagic telangiectasia (McDonald J et al. Clin. Genet., 2011 Apr;79:335-44). In addition to the clinical data presented in the literature, this alteration is expected to result in loss of function by premature protein truncation or nonsense-mediated mRNA decay. As such, this alteration is interpreted as a disease-causing mutation.

Literature cited by the submitters: PubMed 15879500 (cited by Labcorp Genetics (formerly Invitae), Labcorp); PubMed 21158752 (cited by Labcorp Genetics (formerly Invitae), Labcorp and Ambry Genetics).